The following is an entry in ClinVar:

NM_004237.4(TRIP13):c.1153G>A (p.Gly385Ser)

Gene: TRIP13 (thyroid hormone receptor interactor 13; plus strand). Cytogenetic location: 5p15.33.
Variant type: single nucleotide variant.
Coding change: c.1153G>A on transcript NM_004237.4 (MANE Select); coding-DNA position 1153, G replaced by A.
Protein change: p.Gly385Ser; replaces glycine 385 with serine.
Molecular consequence: missense variant.
Genome position (GRCh38, 1-based): chr5:915,923, G>A. VCF-style: chr5-915923-G-A. GRCh37 (hg19) VCF-style: chr5-916038-G-A.
Other names: short protein forms G385S.
Identifiers: ClinVar variation 4809644 (VCV004809644.1).

ClinVar aggregate classification (germline): Uncertain significance (1 of 4 stars; one submission).

gnomAD v4.1: 4 of 1,613,966 alleles (0.00025%); highest among the groups gnomAD compares: Admixed American, 0.005%; no homozygotes.

Submission:

Labcorp Genetics (formerly Invitae), Labcorp
Classification: Uncertain significance. Last evaluated: 2025-11-03. Review status: criteria provided, single submitter. Criteria: Invitae Variant Classification Sherloc (09022015). Collection method: clinical testing. Allele origin: germline.
Comment: This sequence change replaces glycine, which is neutral and non-polar, with serine, which is neutral and polar, at codon 385 of the TRIP13 protein (p.Gly385Ser). This variant is present in population databases (no rsID available, gnomAD 0.003%). This variant has not been reported in the literature in individuals affected with TRIP13-related conditions. An algorithm developed to predict the effect of missense changes on protein structure and function (PolyPhen-2) suggests that this variant is likely to be disruptive. In summary, the available evidence is currently insufficient to determine the role of this variant in disease. Therefore, it has been classified as a Variant of Uncertain Significance.